The following is an entry in ClinVar:

ClinVar aggregate classification (germline): Uncertain significance (1 of 4 stars; one submission).

Allele frequency attached by ClinVar (database versions not stated): gnomAD exomes 0.00002.

Submission:

Labcorp Genetics (formerly Invitae), Labcorp
Classification: Uncertain significance. Last evaluated: 2023-11-27. Review status: criteria provided, single submitter. Criteria: Invitae Variant Classification Sherloc (09022015). Collection method: clinical testing. Allele origin: germline.
Comment: This sequence change replaces arginine, which is basic and polar, with cysteine, which is neutral and slightly polar, at codon 735 of the LAMC3 protein (p.Arg735Cys). This variant is present in population databases (rs148285765, gnomAD 0.006%). This variant has not been reported in the literature in individuals affected with LAMC3-related conditions. ClinVar contains an entry for this variant (Variation ID: 1896933). An algorithm developed to predict the effect of missense changes on protein structure and function (PolyPhen-2) suggests that this variant is likely to be disruptive. Algorithms developed to predict the effect of sequence changes on RNA splicing suggest that this variant may disrupt the consensus splice site. In summary, the available evidence is currently insufficient to determine the role of this variant in disease. Therefore, it has been classified as a Variant of Uncertain Significance.

NM_006059.4(LAMC3):c.2203C>T (p.Arg735Cys)

Gene: LAMC3 (laminin subunit gamma 3; plus strand). Cytogenetic location: 9q34.12.
Variant type: single nucleotide variant.
Coding change: c.2203C>T on transcript NM_006059.4 (MANE Select); coding-DNA position 2203, C replaced by T.
Protein change: p.Arg735Cys; replaces arginine 735 with cysteine.
Molecular consequence: missense variant.
Genome position (GRCh38, 1-based): chr9:131,061,079, C>T. VCF-style: chr9-131061079-C-T. GRCh37 (hg19) VCF-style: chr9-133936466-C-T.
Other names: short protein forms R735C.
Identifiers: ClinVar variation 1896933 (VCV001896933.3), dbSNP rs148285765, ClinGen allele CA5287352.
Genomic context (GRCh38, chr9:131,061,079, plus strand): 5'-TTGTCTTGCCCCTCAGGGATCTGTGTCTGCAGCCACCATACCGAGGGCCCATCCTGTGAA[C>T]GCTGTTTGCCAGGTTTCTATGGCAACCCTTTCGCGGGCCAAGCCGACGACTGCCAGCCCT-3'
Protein context (NP_006050.3, residues 725-745): SHHTEGPSCE[Arg735Cys]CLPGFYGNPF